The following is an entry in ClinVar:

NM_000548.5(TSC2):c.3056A>C (p.His1019Pro)

Gene: TSC2 (TSC complex subunit 2; plus strand). Cytogenetic location: 16p13.3.
Variant type: single nucleotide variant.
Coding change: c.3056A>C on transcript NM_000548.5 (MANE Select); coding-DNA position 3056, A replaced by C.
Protein change: p.His1019Pro; replaces histidine 1019 with proline.
Molecular consequence: missense variant.
Genome position (GRCh38, 1-based): chr16:2,079,121, A>C. VCF-style: chr16-2079121-A-C. GRCh37 (hg19) VCF-style: chr16-2129122-A-C.
Other names: c.2780A>C, p.His927Pro (NM_001318829.2); c.2324A>C, p.His775Pro (NM_001318831.2); c.2957A>C, p.His986Pro (NM_001318832.2); c.2927A>C, p.His976Pro (NM_001363528.2, NM_001370405.1, NM_021055.3); c.2924A>C, p.His975Pro (NM_001370404.1, NM_001077183.3); c.3056A>C, p.His1019Pro (NM_001114382.3); c.2816A>C, p.His939Pro (NM_001318827.2); short protein forms H1019P, H975P, H976P, H927P, H939P, H775P, H986P.
Identifiers: ClinVar variation 486706 (VCV000486706.21), dbSNP rs1555510317, ClinGen allele CA394284351.

ClinVar aggregate classification (germline): Uncertain significance. Review status: criteria provided, multiple submitters, no conflicts (2 of 4 stars). 6 submissions from 6 submitters: Uncertain significance (6). Last evaluated 2026-07-21.

Conditions:
Hereditary cancer-predisposing syndrome. Also called: Neoplastic Syndromes, Hereditary; Hereditary neoplastic syndrome; Hereditary Cancer Syndrome; Tumor predisposition. Identifiers: Orphanet 140162, MedGen C0027672, MeSH D009386, MONDO:0015356.
Isolated focal cortical dysplasia type II (FCORD2). Also called: CORTICAL DYSPLASIA OF TAYLOR; Focal cortical dysplasia type II. Identifiers: Orphanet 268994, MedGen C1846385, MONDO:0011818, OMIM 607341, HP:0032051.
Tuberous sclerosis syndrome (TSC). Also called: Tuberous Sclerosis Complex; Tuberous sclerosis. Identifiers: Orphanet 805, MedGen C0041341, MONDO:0001734.
Tuberous sclerosis 2 (TSC2). Identifiers: Orphanet 805, MedGen C1860707, MONDO:0013199, OMIM 613254.

Submissions (6):

Ambry Genetics
Classification: Uncertain significance for Hereditary cancer-predisposing syndrome. Last evaluated: 2026-07-21. Review status: criteria provided, single submitter. Criteria: Ambry Variant Classification Scheme 2023. Collection method: clinical testing. Allele origin: germline.
Comment: The p.H1019P variant (also known as c.3056A>C), located in coding exon 26 of the TSC2 gene, results from an A to C substitution at nucleotide position 3056. The histidine at codon 1019 is replaced by proline, an amino acid with similar properties. This amino acid position is highly conserved in available vertebrate species. In addition, this alteration is predicted to be deleterious by in silico analysis. Based on the available evidence, the clinical significance of this variant remains unclear.

Labcorp Genetics (formerly Invitae), Labcorp
Classification: Uncertain significance for Tuberous sclerosis 2. Last evaluated: 2025-12-16. Review status: criteria provided, single submitter. Criteria: Invitae Variant Classification Sherloc (09022015). Collection method: clinical testing. Allele origin: germline.
Comment: This sequence change replaces histidine, which is basic and polar, with proline, which is neutral and non-polar, at codon 1019 of the TSC2 protein (p.His1019Pro). This variant is not present in population databases (gnomAD no frequency). This variant has not been reported in the literature in individuals affected with TSC2-related conditions. ClinVar contains an entry for this variant (Variation ID: 486706). Invitae Evidence Modeling of protein sequence and biophysical properties (such as structural, functional, and spatial information, amino acid conservation, physicochemical variation, residue mobility, and thermodynamic stability) has been performed for this missense variant. However, the output from this modeling did not meet the statistical confidence thresholds required to predict the impact of this variant on TSC2 protein function. In summary, the available evidence is currently insufficient to determine the role of this variant in disease. Therefore, it has been classified as a Variant of Uncertain Significance.

GeneDx
Classification: Uncertain significance. Last evaluated: 2024-07-30. Review status: criteria provided, single submitter. Criteria: GeneDx Variant Classification Process June 2021. Collection method: clinical testing. Allele origin: germline. Affected: yes.
Comment: Not observed at significant frequency in large population cohorts (gnomAD); In silico analysis supports that this missense variant has a deleterious effect on protein structure/function; Has not been previously published as pathogenic or benign to our knowledge

All of Us Research Program, National Institutes of Health
Classification: Uncertain significance for Tuberous sclerosis syndrome. Last evaluated: 2024-02-22. Review status: criteria provided, single submitter. Criteria: ACMG Guidelines, 2015. Collection method: clinical testing. Allele origin: germline. Inheritance: Autosomal dominant inheritance. Observed: 1 variant allele, 1 heterozygote.
Comment: This missense variant replaces histidine with proline at codon 1019 of the TSC2 protein. Computational prediction suggests that this variant may have deleterious impact on protein structure and function (internally defined REVEL score threshold >= 0.7, PMID: 27666373). To our knowledge, functional studies have not been reported for this variant. This variant has not been reported in individuals affected with TSC2-related disorders in the literature. This variant has not been identified in the general population by the Genome Aggregation Database (gnomAD). The available evidence is insufficient to determine the role of this variant in disease conclusively. Therefore, this variant is classified as a Variant of Uncertain Significance.

This study involves interpretation of variants in research participants for the purpose of population health screening. Participant phenotype was not available at the time of variant classification. Additional details can be found in publication PMID: 35346344, PMCID: PMC8962531

Baylor Genetics
Classification: Uncertain significance for Isolated focal cortical dysplasia type II. Last evaluated: 2023-08-24. Review status: criteria provided, single submitter. Criteria: ACMG Guidelines, 2015. Collection method: clinical testing. Allele origin: unknown.

Genome-Nilou Lab
Classification: Uncertain significance for Tuberous sclerosis 2. Last evaluated: 2021-11-07. Review status: criteria provided, single submitter. Criteria: ACMG Guidelines, 2015. Collection method: clinical testing. Allele origin: germline. Affected: no.